The following is an entry in ClinVar:

ClinVar aggregate classification (germline): Benign/Likely benign. Review status: criteria provided, multiple submitters, no conflicts (2 of 4 stars). 5 submissions from 5 submitters: Benign (2); Likely benign (3). Last evaluated 2026-01-12.

Conditions:
Inborn genetic diseases. Identifiers: MedGen C0950123, MeSH D030342.
ADNP-related disorder. Also called: ADNP-related condition.
ADNP-related multiple congenital anomalies - intellectual disability - autism spectrum disorder. Also called: ADNP-Related Helsmoortel-Van der Aa Syndrome; Helsmoortel-Van der Aa Syndrome. Identifiers: Orphanet 404448, MedGen C4014538, MONDO:0014379, OMIM 615873. Disease mechanism: loss of function.

Allele frequency attached by ClinVar (database versions not stated): gnomAD exomes 0.00015; ExAC 0.00019; gnomAD 0.00019; TOPMed 0.00029; 1000 Genomes Project 30x 0.00031; ESP Exome Variant Server 0.00038; 1000 Genomes Project 0.00040.

Submissions (5):

Labcorp Genetics (formerly Invitae), Labcorp
Classification: Benign. Last evaluated: 2026-01-12. Review status: criteria provided, single submitter. Criteria: Invitae Variant Classification Sherloc (09022015). Collection method: clinical testing. Allele origin: germline.

PreventionGenetics, part of Exact Sciences
Classification: Likely benign for ADNP-related condition. Last evaluated: 2025-10-03. Review status: criteria provided, single submitter. Criteria: ACMG Guidelines, 2015. Collection method: clinical testing. Allele origin: germline.
Comment: This variant is classified as likely benign based on ACMG/AMP sequence variant interpretation guidelines (Richards et al. 2015 PMID: 25741868, with internal and published modifications).

Ambry Genetics
Classification: Likely benign for Inborn genetic diseases. Last evaluated: 2022-06-09. Review status: criteria provided, single submitter. Criteria: Ambry Variant Classification Scheme 2023. Collection method: clinical testing. Allele origin: germline.

Genome-Nilou Lab
Classification: Benign for ADNP-related multiple congenital anomalies - intellectual disability - autism spectrum disorder. Last evaluated: 2021-12-05. Review status: criteria provided, single submitter. Criteria: ACMG Guidelines, 2015. Collection method: clinical testing. Allele origin: germline. Affected: no.

GeneDx
Classification: Likely benign. Last evaluated: 2020-09-23. Review status: criteria provided, single submitter. Criteria: GeneDx Variant Classification Process June 2021. Collection method: clinical testing. Allele origin: germline. Affected: yes.

NM_001282531.3(ADNP):c.2749C>T (p.Pro917Ser)

Gene: ADNP (activity dependent neuroprotector homeobox; minus strand). Cytogenetic location: 20q13.13.
Variant type: single nucleotide variant.
Coding change: c.2749C>T on transcript NM_001282531.3 (MANE Select); coding-DNA position 2749, C replaced by T.
Protein change: p.Pro917Ser; replaces proline 917 with serine.
Molecular consequence: missense variant.
Genome position (GRCh38, 1-based): chr20:50,891,965, G>A on the plus strand (C>T on the coding strand, the complement: ADNP is on the minus strand). VCF-style: chr20-50891965-G-A. GRCh37 (hg19) VCF-style: chr20-49508502-G-A.
Other names: c.2749C>T, p.Pro917Ser (NM_001282532.2, NM_001347511.2, NM_015339.5 and 1 more transcripts); c.2749C>T (NM_001282531.2); short protein forms P917S.
Identifiers: ClinVar variation 723547 (VCV000723547.14), dbSNP rs142988030, ClinGen allele CA9908527.
Genomic context (GRCh38, chr20:50,891,965, plus strand): 5'-CGTATTTTGAACCATCCTCTTTTTGGTCTAGCTTCTCCTCAGATTCTGAAGCATCCTCAG[G>A]AATTACCTTCAGTACATGTTCCTCTGGGTTATCGTTAGAGATTTTAGGTTCAACTTCAAA-3'
Protein context (NP_001269460.1, residues 907-927): NPEEHVLKVI[Pro917Ser]EDASESEEKL